The following is an entry in ClinVar:

NM_177438.3(DICER1):c.1250A>G (p.Asp417Gly)

Gene: DICER1 (dicer 1, ribonuclease III; minus strand). Cytogenetic location: 14q32.13.
Variant type: single nucleotide variant.
Coding change: c.1250A>G on transcript NM_177438.3 (MANE Select); coding-DNA position 1250, A replaced by G.
Protein change: p.Asp417Gly; replaces aspartic acid 417 with glycine.
Molecular consequence: missense variant.
Genome position (GRCh38, 1-based): chr14:95,124,322, T>C on the plus strand (A>G on the coding strand, the complement: DICER1 is on the minus strand). VCF-style: chr14-95124322-T-C. GRCh37 (hg19) VCF-style: chr14-95590659-T-C.
Other names: c.1250A>G, p.Asp417Gly (NM_001195573.1, NM_001271282.3, NM_001291628.2 and 1 more transcripts); short protein forms D417G.
Identifiers: ClinVar variation 840652 (VCV000840652.11), dbSNP rs1893199207, ClinGen allele CA390886503.

ClinVar aggregate classification (germline): Uncertain significance (1 of 4 stars; one submission).

Conditions:
DICER1-related tumor predisposition. Also called: DICER1 syndrome; DICER1-related pleuropulmonary blastoma cancer predisposition syndrome. Identifiers: Orphanet 284343, MedGen C3839822, MONDO:0100216.

Allele frequency attached by ClinVar (database versions not stated): gnomAD exomes below 0.00001.
gnomAD v4.1: 5 of 1,613,892 alleles (0.00031%); highest among the groups gnomAD compares: Non-Finnish European, 0.00042%; no homozygotes.

Submission:

Labcorp Genetics (formerly Invitae), Labcorp
Classification: Uncertain significance for DICER1-related tumor predisposition. Last evaluated: 2022-06-04. Review status: criteria provided, single submitter. Criteria: Invitae Variant Classification Sherloc (09022015). Collection method: clinical testing. Allele origin: germline.
Comment: In summary, the available evidence is currently insufficient to determine the role of this variant in disease. Therefore, it has been classified as a Variant of Uncertain Significance. Algorithms developed to predict the effect of sequence changes on RNA splicing suggest that this variant may create or strengthen a splice site. Algorithms developed to predict the effect of missense changes on protein structure and function are either unavailable or do not agree on the potential impact of this missense change (SIFT: "Deleterious"; PolyPhen-2: "Probably Damaging"; Align-GVGD: "Class C0"). ClinVar contains an entry for this variant (Variation ID: 840652). This variant has not been reported in the literature in individuals affected with DICER1-related conditions. This variant is not present in population databases (gnomAD no frequency). This sequence change replaces aspartic acid, which is acidic and polar, with glycine, which is neutral and non-polar, at codon 417 of the DICER1 protein (p.Asp417Gly).